The following is an entry in ClinVar:

ClinVar aggregate classification (germline): Uncertain significance. Review status: criteria provided, multiple submitters, no conflicts (2 of 4 stars). 2 submissions from 2 submitters: Uncertain significance (2). Last evaluated 2026-01-13.

Conditions:
Gastrointestinal stromal tumor. Also called: Gastrointestinal stromal tumor, somatic; Gastrointestinal stroma tumor. Identifiers: Orphanet 44890, MedGen C0238198, MeSH D046152, MONDO:0011719, OMIM 606764, HP:0100723.
Hereditary cancer-predisposing syndrome. Also called: Neoplastic Syndromes, Hereditary; Hereditary Cancer Syndrome; Hereditary neoplastic syndrome; Tumor predisposition. Identifiers: Orphanet 140162, MedGen C0027672, MeSH D009386, MONDO:0015356.

Allele frequency attached by ClinVar (database versions not stated): gnomAD exomes below 0.00001; 1000 Genomes Project 30x 0.00016; 1000 Genomes Project 0.00020.
gnomAD v4.1: 2 of 1,614,052 alleles (0.00012%); highest among the groups gnomAD compares: East Asian, 0.0022%; no homozygotes.

Submissions (2):

Labcorp Genetics (formerly Invitae), Labcorp
Classification: Uncertain significance for Gastrointestinal stromal tumor. Last evaluated: 2026-01-13. Review status: criteria provided, single submitter. Criteria: Invitae Variant Classification Sherloc (09022015). Collection method: clinical testing. Allele origin: germline.
Comment: This sequence change replaces isoleucine, which is neutral and non-polar, with valine, which is neutral and non-polar, at codon 147 of the PDGFRA protein (p.Ile147Val). This variant is present in population databases (rs553864636, gnomAD 0.007%). This variant has not been reported in the literature in individuals affected with PDGFRA-related conditions. ClinVar contains an entry for this variant (Variation ID: 1002437). Invitae Evidence Modeling of protein sequence and biophysical properties (such as structural, functional, and spatial information, amino acid conservation, physicochemical variation, residue mobility, and thermodynamic stability) indicates that this missense variant is not expected to disrupt PDGFRA protein function with a negative predictive value of 80%. In summary, the available evidence is currently insufficient to determine the role of this variant in disease. Therefore, it has been classified as a Variant of Uncertain Significance.

Ambry Genetics
Classification: Uncertain significance for Hereditary cancer-predisposing syndrome. Last evaluated: 2025-04-21. Review status: criteria provided, single submitter. Criteria: Ambry Variant Classification Scheme 2023. Collection method: clinical testing. Allele origin: germline.
Comment: The p.I147V variant (also known as c.439A>G), located in coding exon 3 of the PDGFRA gene, results from an A to G substitution at nucleotide position 439. The isoleucine at codon 147 is replaced by valine, an amino acid with highly similar properties. This amino acid position is conserved. In addition, this alteration is predicted to be tolerated by in silico analysis. Based on the available evidence, the clinical significance of this variant remains unclear.

NM_006206.6(PDGFRA):c.439A>G (p.Ile147Val)

Gene: PDGFRA (platelet derived growth factor receptor alpha; plus strand). Cytogenetic location: 4q12.
Variant type: single nucleotide variant.
Coding change: c.439A>G on transcript NM_006206.6 (MANE Select); coding-DNA position 439, A replaced by G.
Protein change: p.Ile147Val; replaces isoleucine 147 with valine.
Molecular consequence: missense variant.
Genome position (GRCh38, 1-based): chr4:54,263,738, A>G. VCF-style: chr4-54263738-A-G. GRCh37 (hg19) VCF-style: chr4-55129905-A-G.
Other names: c.439A>G, p.Ile147Val (NM_001347827.2, NM_001347829.2); c.514A>G, p.Ile172Val (NM_001347828.2); c.478A>G, p.Ile160Val (NM_001347830.2); c.439A>G (NM_006206.4); short protein forms I147V, I160V, I172V.
Identifiers: ClinVar variation 1002437 (VCV001002437.9), dbSNP rs553864636, ClinGen allele CA96849064.